The following is an entry in ClinVar:

NM_018124.4(RFWD3):c.1447A>G (p.Ser483Gly)

Gene: RFWD3 (ring finger and WD repeat domain 3; minus strand). Cytogenetic location: 16q23.1.
Variant type: single nucleotide variant.
Coding change: c.1447A>G on transcript NM_018124.4 (MANE Select); coding-DNA position 1447, A replaced by G.
Protein change: p.Ser483Gly; replaces serine 483 with glycine.
Molecular consequence: missense variant.
Genome position (GRCh38, 1-based): chr16:74,632,653, T>C on the plus strand (A>G on the coding strand, the complement: RFWD3 is on the minus strand). VCF-style: chr16-74632653-T-C. GRCh37 (hg19) VCF-style: chr16-74666551-T-C.
Other names: c.1447A>G, p.Ser483Gly (NM_001370534.1, NM_001370535.1, NM_001370536.1); c.613A>G, p.Ser205Gly (NM_001370537.1, NM_001370539.1, NM_001370540.1 and 3 more transcripts); short protein forms S205G, S483G.
Identifiers: ClinVar variation 1976617 (VCV001976617.5), dbSNP rs1213543404, ClinGen allele CA396760776.
Genomic context (GRCh38, chr16:74,632,653, plus strand): 5'-GTCCACGGATCTGTTTGCCATGCATCGGAATGTACTGACTGCTCTTCATGTTGGCAGTAC[T>C]CAACATCTTAACACCAAAGCCTGAAAAAGGCAAAATAGTATGAAATAGATCACTGAAAGT-3'
Protein context (NP_060594.3, residues 473-493): FLPGFGVKML[Ser483Gly]TANMKSSQYI

ClinVar aggregate classification (germline): Uncertain significance (1 of 4 stars; one submission).

Allele frequency attached by ClinVar (database versions not stated): gnomAD exomes below 0.00001; gnomAD 0.00002; TOPMed 0.00004.
gnomAD v4.1: 4 of 1,613,984 alleles (0.00025%); highest among the groups gnomAD compares: African/African-American, 0.0053%; no homozygotes.

Submission:

Labcorp Genetics (formerly Invitae), Labcorp
Classification: Uncertain significance. Last evaluated: 2022-11-08. Review status: criteria provided, single submitter. Criteria: Invitae Variant Classification Sherloc (09022015). Collection method: clinical testing. Allele origin: germline.
Comment: In summary, the available evidence is currently insufficient to determine the role of this variant in disease. Therefore, it has been classified as a Variant of Uncertain Significance. Algorithms developed to predict the effect of missense changes on protein structure and function are either unavailable or do not agree on the potential impact of this missense change (SIFT: "Tolerated"; PolyPhen-2: "Possibly Damaging"; Align-GVGD: "Class C0"). This variant has not been reported in the literature in individuals affected with RFWD3-related conditions. This variant is present in population databases (no rsID available, gnomAD 0.01%). This sequence change replaces serine, which is neutral and polar, with glycine, which is neutral and non-polar, at codon 483 of the RFWD3 protein (p.Ser483Gly).